The following is an entry in ClinVar:

NM_001243279.3(ACSF3):c.1142del (p.Pro381fs)

Gene: ACSF3 (acyl-CoA synthetase family member 3; plus strand). Cytogenetic location: 16q24.3.
Variant type: Deletion.
Coding change: c.1142del on transcript NM_001243279.3 (MANE Select); coding-DNA position 1142, one base deleted (C; older notation c.1142delC).
Protein change: p.Pro381fs; shifts the reading frame from proline 381.
Molecular consequence: frameshift variant. On other transcripts: non-coding transcript variant (3).
Genome position (GRCh38, 1-based): chr16:89,120,816, C deleted; the last of 4 consecutive C bases (chr16:89,120,813-89,120,816); deleting any one gives the same sequence. VCF-style (leftmost placement, unchanged base first): chr16-89120812-AC-A. GRCh37 (hg19) VCF-style: chr16-89187220-AC-A.
Other names: c.1142del, p.Pro381fs (NM_001127214.4, NM_174917.5); c.347del, p.Pro116fs (NM_001284316.2); short protein forms P116fs, P381fs.
Identifiers: ClinVar variation 4816967 (VCV004816967.1).

ClinVar aggregate classification (germline): Likely pathogenic (1 of 4 stars; one submission).

Conditions:
Combined malonic and methylmalonic acidemia. Identifiers: Orphanet 289504, MedGen C3280314, MONDO:0013661, OMIM 614265.

Submission:

Natera, Inc.
Classification: Likely pathogenic for Combined malonic and methylmalonic aciduria. Last evaluated: 2025-05-21. Review status: criteria provided, single submitter. Criteria: Natera Variant Classification Schema (03/2026). Collection method: clinical testing. Allele origin: germline.
Comment: The c.1142delC variant in ACSF3 is a frameshift variant predicted to shift the reading frame beginning at codon 381 and leads to a stop codon 34 codons downstream. This variant is expected to result in nonsense mediated decay, truncation, or a dysfunctional protein product. This variant is rare in the general population with a frequency below the threshold expected for the associated phenotype(s). Given the available evidence, this variant is classified as Likely Pathogenic.